The following is an entry in ClinVar:

NM_017739.4(POMGNT1):c.120+6G>C

Gene: POMGNT1 (protein O-linked mannose N-acetylglucosaminyltransferase 1 (beta 1,2-); minus strand). Cytogenetic location: 1p34.1.
Variant type: single nucleotide variant.
Coding change: c.120+6G>C on transcript NM_017739.4 (MANE Select); 6 bases into the intron after coding-DNA position 120, G replaced by C.
Molecular consequence: intron variant.
Genome position (GRCh38, 1-based): chr1:46,197,696, C>G on the plus strand (G>C on the coding strand, the complement: POMGNT1 is on the minus strand). VCF-style: chr1-46197696-C-G. GRCh37 (hg19) VCF-style: chr1-46663368-C-G.
Other names: c.120+6G>C (NM_001243766.2).
Identifiers: ClinVar variation 500737 (VCV000500737.10), dbSNP rs1344774466, ClinGen allele CA522582546.

ClinVar aggregate classification (germline): Uncertain significance. Review status: criteria provided, multiple submitters, no conflicts (2 of 4 stars). 2 submissions from 2 submitters: Uncertain significance (2). Last evaluated 2022-07-05.

Conditions:
Autosomal recessive limb-girdle muscular dystrophy type 2O. Also called: Limb-Girdle Muscular Dystrophy Type 3C; MUSCULAR DYSTROPHY-DYSTROGLYCANOPATHY (LIMB-GIRDLE), TYPE C, 3; MUSCULAR DYSTROPHY-DYSTROGLYCANOPATHY, LIMB-GIRDLE, POMGNT1-RELATED. Identifiers: Orphanet 206564, MedGen C3150417, MONDO:0013161, OMIM 613157.
Muscular dystrophy-dystroglycanopathy (congenital with impaired intellectual development), type B, 3. Also called: Muscular dystrophy-dystroglycanopathy (congenital with intellectual disability), type B3; MUSCULAR DYSTROPHY, CONGENITAL, POMGNT1-RELATED. Identifiers: MedGen C3150412, MONDO:0013155, OMIM 613151.

Allele frequency attached by ClinVar (database versions not stated): gnomAD exomes 0.00001 and below 0.00001; TOPMed 0.00001; gnomAD 0.00001.
gnomAD v4.1: 14 of 1,613,960 alleles (0.00087%); highest among the groups gnomAD compares: African/African-American, 0.0013%; no homozygotes.

Submissions (2):

Labcorp Genetics (formerly Invitae), Labcorp
Classification: Uncertain significance for Autosomal recessive limb-girdle muscular dystrophy type 2O; Muscular dystrophy-dystroglycanopathy (congenital with impaired intellectual development), type B, 3. Last evaluated: 2022-07-05. Review status: criteria provided, single submitter. Criteria: Invitae Variant Classification Sherloc (09022015). Collection method: clinical testing. Allele origin: germline.
Comment: This sequence change falls in intron 2 of the POMGNT1 gene. It does not directly change the encoded amino acid sequence of the POMGNT1 protein. It affects a nucleotide within the consensus splice site. This variant is present in population databases (no rsID available, gnomAD 0.0009%). This variant has not been reported in the literature in individuals affected with POMGNT1-related conditions. ClinVar contains an entry for this variant (Variation ID: 500737). Variants that disrupt the consensus splice site are a relatively common cause of aberrant splicing (PMID: 17576681, 9536098). Algorithms developed to predict the effect of sequence changes on RNA splicing suggest that this variant is not likely to affect RNA splicing. In summary, the available evidence is currently insufficient to determine the role of this variant in disease. Therefore, it has been classified as a Variant of Uncertain Significance.

Eurofins Ntd Llc (ga)
Classification: Uncertain significance. Last evaluated: 2017-03-08. Review status: criteria provided, single submitter. Criteria: EGL Classification Definitions 2015. Collection method: clinical testing. Allele origin: germline. Observed: 1 variant allele, 1 heterozygote.

Literature cited by the submitters: PubMed 17576681 (cited by Labcorp Genetics (formerly Invitae), Labcorp); PubMed 9536098 (cited by Labcorp Genetics (formerly Invitae), Labcorp).